The following is an entry in ClinVar:

NM_130384.3(ATRIP):c.2102T>C (p.Val701Ala)

Genes: ATRIP (ATR interacting protein; plus strand), ATRIP-TREX1 (ATRIP-TREX1 readthrough; plus strand). Cytogenetic location: 3p21.31.
Variant type: single nucleotide variant.
Coding change: c.2102T>C on transcript NM_130384.3 (MANE Select); coding-DNA position 2102, T replaced by C.
Protein change: p.Val701Ala; replaces valine 701 with alanine.
Molecular consequence: missense variant. On other transcripts: non-coding transcript variant (1).
Genome position (GRCh38, 1-based): chr3:48,464,877, T>C. VCF-style: chr3-48464877-T-C. GRCh37 (hg19) VCF-style: chr3-48506276-T-C.
Other names: c.1721T>C, p.Val574Ala (NM_001271022.2); c.1823T>C, p.Val608Ala (NM_001271023.2); c.2021T>C, p.Val674Ala (NM_032166.4); short protein forms V674A, V574A, V608A, V701A.
Identifiers: ClinVar variation 3809536 (VCV003809536.1).
Genomic context (GRCh38, chr3:48,464,877, plus strand): 5'-CCCCCCTCTCTCAGGTGGTCAGAGCGCTCACGGTGATGTTGCACAGACAGTGGCTGACAG[T>C]GCGGAGGGCAGGGGGACCCCCAAGGACCGACCAGCAGAGGCGGACAGTGCGCTGTCTGCG-3'
Protein context (NP_569055.1, residues 691-711): TVMLHRQWLT[Val701Ala]RRAGGPPRTD

ClinVar aggregate classification (germline): Uncertain significance (1 of 4 stars; one submission).

gnomAD v4.1: 3 of 1,613,818 alleles (0.00019%); highest among the groups gnomAD compares: Non-Finnish European, 0.00025%; no homozygotes.

Submission:

Ambry Genetics
Classification: Uncertain significance. Last evaluated: 2025-01-05. Review status: criteria provided, single submitter. Criteria: Ambry Variant Classification Scheme 2023. Collection method: clinical testing. Allele origin: germline.
Comment: The p.V701A variant (also known as c.2102T>C), located in coding exon 12 of the ATRIP gene, results from a T to C substitution at nucleotide position 2102. The valine at codon 701 is replaced by alanine, an amino acid with similar properties. This amino acid position is conserved. In addition, this alteration is predicted to be tolerated by in silico analysis. Based on the available evidence, the clinical significance of this variant remains unclear.